The following is an entry in ClinVar:

ClinVar aggregate classification (germline): Likely benign (1 of 4 stars; one submission).

Allele frequency attached by ClinVar (database versions not stated): ExAC 0.00001.

Submission:

CeGaT Center for Human Genetics Tuebingen
Classification: Likely benign. Last evaluated: 2023-11-01. Review status: criteria provided, single submitter. Criteria: CeGaT Center For Human Genetics Tuebingen Variant Classification Criteria Version 2. Collection method: clinical testing. Allele origin: germline. Affected: yes. Observed: 2 variant alleles.
Comment: H2AC21: BP4, BP7

NM_175065.3(H2AC21):c.69T>C (p.Gly23=)

Genes: H2AC21 (H2A clustered histone 21; minus strand), LOC129931379 (ATAC-STARR-seq lymphoblastoid active region 1662; plus strand). Cytogenetic location: 1q21.2.
Variant type: single nucleotide variant.
Coding change: c.69T>C on transcript NM_175065.3 (MANE Select); coding-DNA position 69, T replaced by C.
Protein change: p.Gly23=; no amino-acid change (glycine 23 retained).
Molecular consequence: synonymous variant.
Genome position (GRCh38, 1-based): chr1:149,887,848, A>G on the plus strand (T>C on the coding strand, the complement: H2AC21 is on the minus strand). VCF-style: chr1-149887848-A-G. GRCh37 (hg19) VCF-style: chr1-149859398-A-G.
Identifiers: ClinVar variation 2639151 (VCV002639151.24), dbSNP rs782204405, ClinGen allele CA1070583.